The following is an entry in ClinVar:

NM_001101421.4(MYO1H):c.1036-1G>T

Gene: MYO1H (myosin IH; plus strand). Cytogenetic location: 12q24.11.
Variant type: single nucleotide variant.
Coding change: c.1036-1G>T on transcript NM_001101421.4 (MANE Select); the canonical splice acceptor site of the intron before coding-DNA position 1036, G replaced by T.
Molecular consequence: splice acceptor variant.
Genome position (GRCh38, 1-based): chr12:109,407,793, G>T. VCF-style: chr12-109407793-G-T. GRCh37 (hg19) VCF-style: chr12-109845598-G-T.
Identifiers: ClinVar variation 2433967 (VCV002433967.4), dbSNP rs745617617, ClinGen allele CA6776214.

ClinVar aggregate classification (germline): Uncertain significance. Review status: criteria provided, multiple submitters, no conflicts (2 of 4 stars). 2 submissions from 2 submitters: Uncertain significance (2). Last evaluated 2025-09-17.

Conditions:
Central hypoventilation syndrome, congenital, 2, and autonomic dysfunction. Identifiers: MedGen C5561963, MONDO:0030537, OMIM 619482.

Allele frequency attached by ClinVar (database versions not stated): ExAC 0.00001; gnomAD 0.00001; gnomAD exomes 0.00002.
gnomAD v4.1: 33 of 1,613,482 alleles (0.002%); highest among the groups gnomAD compares: Non-Finnish European, 0.0026%; no homozygotes.

Submissions (2):

Women's Health and Genetics/Laboratory Corporation of America, LabCorp
Classification: Uncertain significance. Last evaluated: 2025-09-17. Review status: criteria provided, single submitter. Criteria: LabCorp Variant Classification Summary - May 2015. Collection method: clinical testing. Allele origin: germline.
Comment: Variant summary: MYO1H c.1036-1G>T is located in a canonical splice-site and is predicted to affect mRNA splicing resulting in a significantly altered protein due to either exon skipping, shortening, or inclusion of intronic material. Variants that disrupt the consensus splice site are a relatively common cause of aberrant splicing, however current evidence is not sufficient to establish loss of function as a mechanism for disease. Several computational tools predict a significant impact on normal splicing: Four predict the variant abolishes the canonical 3' acceptor site. However, these predictions have yet to be confirmed by functional studies. The frequency data for this variant in gnomAD is considered unreliable, as metrics indicate poor data quality at this position. To our knowledge, no occurrence of c.1036-1G>T in individuals affected with MYO1H-related conditions and no experimental evidence demonstrating its impact on protein function have been reported. ClinVar contains an entry for this variant (Variation ID: 2433967). Based on the evidence outlined above, the variant was classified as uncertain significance.

Revvity Omics, Revvity
Classification: Uncertain significance for Central hypoventilation syndrome, congenital, 2, and autonomic dysfunction. Last evaluated: 2022-02-14. Review status: criteria provided, single submitter. Criteria: ACMG Guidelines, 2015. Collection method: clinical testing. Allele origin: germline.